The following is an entry in ClinVar:

ClinVar aggregate classification (germline): Uncertain significance (1 of 4 stars; one submission).

Submission:

Ambry Genetics
Classification: Uncertain significance. Last evaluated: 2026-06-17. Review status: criteria provided, single submitter. Criteria: Ambry Variant Classification Scheme 2023. Collection method: clinical testing. Allele origin: germline.
Comment: The c.3G>T (p.M1I) variant is located in coding exon 1 of the CPSF3L gene and results from a G to T substitution at nucleotide position 1. This alters the methionine residue at the initiation codon (ATG). Variations that modify the initiation codon (ATG) are expected to result in either loss of translation initiation, N-terminal truncation, or cause a shift in the mRNA reading frame; however, there is an in-frame methionine 30 amino acids from the initiation site, which may result in N-terminal truncation of unknown functional significance. Based on data from gnomAD, the T allele has an overall frequency of 0.001% (2/226078) total alleles studied. The highest observed frequency was 0.003% (1/32654) of Latino alleles. This amino acid position is well conserved in available vertebrate species. Based on insufficient or conflicting evidence, the clinical significance of this alteration remains unclear.

NM_017871.6(INTS11):c.3G>T (p.Met1Ile)

Gene: INTS11 (integrator complex subunit 11; minus strand). Cytogenetic location: 1p36.33.
Variant type: single nucleotide variant.
Coding change: c.3G>T on transcript NM_017871.6 (MANE Select); coding-DNA position 3, G replaced by T.
Protein change: p.Met1Ile; changes the start codon (methionine 1).
Molecular consequence: missense variant, initiator codon variant. On other transcripts: 5 prime UTR variant (2).
Genome position (GRCh38, 1-based): chr1:1,324,606, C>A on the plus strand (G>T on the coding strand, the complement: INTS11 is on the minus strand). VCF-style: chr1-1324606-C-A. GRCh37 (hg19) VCF-style: chr1-1259986-C-A.
Other names: c.-453G>T (NM_001256456.2); c.-192G>T (NM_001256460.2); c.3G>T, p.Met1Ile (NM_001256462.2, NM_001256463.2); short protein forms M1I.
Identifiers: ClinVar variation 5022813 (VCV005022813.1).